The following is an entry in ClinVar:

NM_000038.6(APC):c.1366C>G (p.Leu456Val)

Gene: APC (APC regulator of Wnt signaling pathway; plus strand). Cytogenetic location: 5q22.2.
Variant type: single nucleotide variant.
Coding change: c.1366C>G on transcript NM_000038.6 (MANE Select); coding-DNA position 1366, C replaced by G.
Protein change: p.Leu456Val; replaces leucine 456 with valine.
Molecular consequence: missense variant.
Genome position (GRCh38, 1-based): chr5:112,821,949, C>G. VCF-style: chr5-112821949-C-G. GRCh37 (hg19) VCF-style: chr5-112157646-C-G.
Other names: c.1366C>G, p.Leu456Val (NM_001354896.2, NM_001127510.3, NM_001354895.2); c.1396C>G, p.Leu466Val (NM_001354897.2); c.1291C>G, p.Leu431Val (NM_001354898.2); c.1282C>G, p.Leu428Val (NM_001354899.2); c.1189C>G, p.Leu397Val (NM_001354900.2, NM_001354901.2); c.1093C>G, p.Leu365Val (NM_001354902.2); c.1063C>G, p.Leu355Val (NM_001354903.2); c.988C>G, p.Leu330Val (NM_001354904.2); and 3 more; short protein forms L438V, L456V, L355V, L466V, L330V, L296V, L365V, L397V.
Identifiers: ClinVar variation 537573 (VCV000537573.11), dbSNP rs876660195, ClinGen allele CA16024296.

ClinVar aggregate classification (germline): Uncertain significance. Review status: criteria provided, multiple submitters, no conflicts (2 of 4 stars). 2 submissions from 2 submitters: Uncertain significance (2). Last evaluated 2024-08-19.

Conditions:
Hereditary cancer-predisposing syndrome. Also called: Tumor predisposition; Hereditary Cancer Syndrome; Hereditary neoplastic syndrome; Neoplastic Syndromes, Hereditary. Identifiers: Orphanet 140162, MedGen C0027672, MeSH D009386, MONDO:0015356.
Familial adenomatous polyposis 1 (FAP1). Also called: FAMILIAL ADENOMATOUS POLYPOSIS 1, ATTENUATED; POLYPOSIS, ADENOMATOUS INTESTINAL. Identifiers: MedGen C2713442, MONDO:0021056, OMIM 175100. Disease mechanism: loss of function.

Submissions (2):

Ambry Genetics
Classification: Uncertain significance for Hereditary cancer-predisposing syndrome. Last evaluated: 2024-08-19. Review status: criteria provided, single submitter. Criteria: Ambry Variant Classification Scheme 2023. Collection method: clinical testing. Allele origin: germline.
Comment: The p.L456V variant (also known as c.1366C>G), located in coding exon 10 of the APC gene, results from a C to G substitution at nucleotide position 1366. The leucine at codon 456 is replaced by valine, an amino acid with highly similar properties. This amino acid position is highly conserved in available vertebrate species. In addition, in silico predictors for this gene do not accurately predict pathogenicity. Missense alterations in APC are not a common cause of disease (Spier I et al. Genet Med. 2024 Feb;26(2):100992). Based on the available evidence, the clinical significance of this variant remains unclear.

Labcorp Genetics (formerly Invitae), Labcorp
Classification: Uncertain significance for Familial adenomatous polyposis 1. Last evaluated: 2017-08-02. Review status: criteria provided, single submitter. Criteria: Invitae Variant Classification Sherloc (09022015). Collection method: clinical testing. Allele origin: germline.
Comment: Algorithms developed to predict the effect of missense changes on protein structure and function do not agree on the potential impact of this missense change (SIFT: "Deleterious"; PolyPhen-2: "Possibly Damaging"; Align-GVGD: "Class C0"). In summary, the available evidence is currently insufficient to determine the role of this variant in disease. Therefore, it has been classified as a Variant of Uncertain Significance. Algorithms developed to predict the effect of sequence changes on RNA splicing suggest that this variant may create or strengthen a splice site, but this prediction has not been confirmed by published transcriptional studies. This variant has not been reported in the literature in individuals with APC-related disease. This variant is not present in population databases (ExAC no frequency). This sequence change replaces leucine with valine at codon 456 of the APC protein (p.Leu456Val). The leucine residue is highly conserved and there is a small physicochemical difference between leucine and valine.